The following is an entry in ClinVar:

ClinVar aggregate classification (germline): Uncertain significance. Review status: criteria provided, multiple submitters, no conflicts (2 of 4 stars). 2 submissions from 2 submitters: Uncertain significance (2). Last evaluated 2022-04-07.

Submissions (2):

GeneDx
Classification: Uncertain significance. Last evaluated: 2022-04-07. Review status: criteria provided, single submitter. Criteria: GeneDx Variant Classification Process June 2021. Collection method: clinical testing. Allele origin: germline. Affected: yes.
Comment: Not observed in large population cohorts (gnomAD); In silico analysis supports that this missense variant does not alter protein structure/function; Has not been previously published as pathogenic or benign to our knowledge

CeGaT Center for Human Genetics Tuebingen
Classification: Uncertain significance. Last evaluated: 2021-11-01. Review status: criteria provided, single submitter. Criteria: CeGaT Center For Human Genetics Tuebingen Variant Classification Criteria Version 2. Collection method: clinical testing. Allele origin: germline. Affected: yes. Observed: 1 variant allele.

NM_001270.4(CHD1):c.178A>G (p.Ser60Gly)

Genes: CHD1 (chromodomain helicase DNA binding protein 1; minus strand), LOC126807465 (P300/CBP strongly-dependent group 1 enhancer GRCh37_chr5:98240158-98241357; plus strand). Cytogenetic location: 5q21.1.
Variant type: single nucleotide variant.
Coding change: c.178A>G on transcript NM_001270.4 (MANE Select); coding-DNA position 178, A replaced by G.
Protein change: p.Ser60Gly; replaces serine 60 with glycine.
Molecular consequence: missense variant. On other transcripts: non-coding transcript variant (2).
Genome position (GRCh38, 1-based): chr5:98,904,974, T>C on the plus strand (A>G on the coding strand, the complement: CHD1 is on the minus strand). VCF-style: chr5-98904974-T-C. GRCh37 (hg19) VCF-style: chr5-98240678-T-C.
Other names: c.178A>G, p.Ser60Gly (NM_001364113.3, NM_001376194.2); short protein forms S60G.
Identifiers: ClinVar variation 1335588 (VCV001335588.37), dbSNP rs879875364, ClinGen allele CA360524057.